The following is an entry in ClinVar:

NM_000069.3(CACNA1S):c.5237T>C (p.Val1746Ala)

Gene: CACNA1S (calcium voltage-gated channel subunit alpha1 S; minus strand). Cytogenetic location: 1q32.1.
Variant type: single nucleotide variant.
Coding change: c.5237T>C on transcript NM_000069.3 (MANE Select); coding-DNA position 5237, T replaced by C.
Protein change: p.Val1746Ala; replaces valine 1746 with alanine.
Molecular consequence: missense variant.
Genome position (GRCh38, 1-based): chr1:201,040,364, A>G on the plus strand (T>C on the coding strand, the complement: CACNA1S is on the minus strand). VCF-style: chr1-201040364-A-G. GRCh37 (hg19) VCF-style: chr1-201009492-A-G.
Other names: short protein forms V1746A.
Identifiers: ClinVar variation 937413 (VCV000937413.13), dbSNP rs1187716461, ClinGen allele CA344131436.

ClinVar aggregate classification (germline): Uncertain significance. Review status: criteria provided, multiple submitters, no conflicts (2 of 4 stars). 8 submissions from 5 submitters: Uncertain significance (8). Last evaluated 2024-07-23.

Conditions:
Thyrotoxic periodic paralysis, susceptibility to, 1 (TTPP1). Identifiers: Orphanet 79102, MedGen C2749982, MONDO:0008570, OMIM 188580.
Hypokalemic periodic paralysis, type 1. Also called: HypoPP; Hypokalemic Periodic Paralysis Type 1 (AD). Identifiers: Orphanet 681, MedGen C3714580, MONDO:0042979, OMIM 170400.
Malignant hyperthermia, susceptibility to, 5 (MHS5). Also called: CACNA1S-Related Malignant Hyperthermia Susceptibility. Identifiers: Orphanet 423, MedGen C1866077, MONDO:0011163, OMIM 601887.
Congenital myopathy 18. Also called: DIHYDROPYRIDINE RECEPTOR CONGENITAL MYOPATHY; DHPR CONGENITAL MYOPATHY; Myopathy, congenital, due to dihydropyridine receptor defect. Identifiers: MedGen C5830283, MONDO:0859514, OMIM 620246.

Allele frequency attached by ClinVar (database versions not stated): gnomAD exomes 0.00001; gnomAD 0.00002; TOPMed 0.00002.
gnomAD v4.1: 7 of 1,613,218 alleles (0.00043%); highest among the groups gnomAD compares: African/African-American, 0.0013%; no homozygotes.

Submissions (8):

Color Diagnostics, LLC DBA Color Health
Classification: Uncertain significance for Malignant hyperthermia, susceptibility to, 5. Last evaluated: 2024-07-23. Review status: criteria provided, single submitter. Criteria: ACMG Guidelines, 2015. Collection method: clinical testing. Allele origin: germline.
Comment: This missense variant replaces valine with alanine at codon 1746 of the CACNA1S protein. Computational prediction suggests that this variant may not impact protein structure and function. To our knowledge, functional studies have not been reported for this variant. This variant has not been reported in individuals affected with CACNA1S-related disorders in the literature. This variant has been identified in 2/249446 chromosomes in the general population by the Genome Aggregation Database (gnomAD). The available evidence is insufficient to determine the role of this variant in disease conclusively. Therefore, this variant is classified as a Variant of Uncertain Significance.

Labcorp Genetics (formerly Invitae), Labcorp
Classification: Uncertain significance for Hypokalemic periodic paralysis, type 1; Malignant hyperthermia, susceptibility to, 5. Last evaluated: 2023-08-04. Review status: criteria provided, single submitter. Criteria: Invitae Variant Classification Sherloc (09022015). Collection method: clinical testing. Allele origin: germline.
Comment: In summary, the available evidence is currently insufficient to determine the role of this variant in disease. Therefore, it has been classified as a Variant of Uncertain Significance. Advanced modeling of protein sequence and biophysical properties (such as structural, functional, and spatial information, amino acid conservation, physicochemical variation, residue mobility, and thermodynamic stability) performed at Invitae indicates that this missense variant is not expected to disrupt CACNA1S protein function. ClinVar contains an entry for this variant (Variation ID: 937413). This variant has not been reported in the literature in individuals affected with CACNA1S-related conditions. This variant is present in population databases (no rsID available, gnomAD 0.0009%). This sequence change replaces valine, which is neutral and non-polar, with alanine, which is neutral and non-polar, at codon 1746 of the CACNA1S protein (p.Val1746Ala).

Genome-Nilou Lab
Classification: Uncertain significance for Malignant hyperthermia, susceptibility to, 5. Last evaluated: 2023-04-11. Review status: criteria provided, single submitter. Criteria: ACMG Guidelines, 2015. Collection method: clinical testing. Allele origin: germline. Affected: no.

Genome-Nilou Lab
Classification: Uncertain significance for Thyrotoxic periodic paralysis, susceptibility to, 1. Last evaluated: 2023-04-11. Review status: criteria provided, single submitter. Criteria: ACMG Guidelines, 2015. Collection method: clinical testing. Allele origin: germline. Affected: no.

Genome-Nilou Lab
Classification: Uncertain significance for Congenital myopathy 18. Last evaluated: 2023-04-11. Review status: criteria provided, single submitter. Criteria: ACMG Guidelines, 2015. Collection method: clinical testing. Allele origin: germline. Affected: no.

Genome-Nilou Lab
Classification: Uncertain significance for Hypokalemic periodic paralysis, type 1. Last evaluated: 2023-04-11. Review status: criteria provided, single submitter. Criteria: ACMG Guidelines, 2015. Collection method: clinical testing. Allele origin: germline. Affected: no.

GeneDx
Classification: Uncertain significance. Last evaluated: 2022-10-24. Review status: criteria provided, single submitter. Criteria: GeneDx Variant Classification Process June 2021. Collection method: clinical testing. Allele origin: germline. Affected: yes.
Comment: Has not been previously published as pathogenic or benign to our knowledge; Not observed at significant frequency in large population cohorts (gnomAD); In silico analysis supports that this missense variant does not alter protein structure/function

Fulgent Genetics
Classification: Uncertain significance for Hypokalemic periodic paralysis, type 1; Thyrotoxic periodic paralysis, susceptibility to, 1; Malignant hyperthermia, susceptibility to, 5. Last evaluated: 2021-09-22. Review status: criteria provided, single submitter. Criteria: ACMG Guidelines, 2015. Collection method: clinical testing. Allele origin: unknown.